The following is an entry in ClinVar:

NM_005850.5(SF3B4):c.1203C>G (p.Leu401=)

Gene: SF3B4 (splicing factor 3b subunit 4; minus strand). Cytogenetic location: 1q21.2.
Variant type: single nucleotide variant.
Coding change: c.1203C>G on transcript NM_005850.5 (MANE Select); coding-DNA position 1203, C replaced by G.
Protein change: p.Leu401=; no amino-acid change (leucine 401 retained).
Molecular consequence: synonymous variant.
Genome position (GRCh38, 1-based): chr1:149,923,614, G>C on the plus strand (C>G on the coding strand, the complement: SF3B4 is on the minus strand). VCF-style: chr1-149923614-G-C. GRCh37 (hg19) VCF-style: chr1-149895506-G-C.
Identifiers: ClinVar variation 3030852 (VCV003030852.2), dbSNP rs782627121, ClinGen allele CA1071356.

ClinVar aggregate classification (germline): Likely benign (0 of 4 stars; one submission).

Conditions:
SF3B4-related disorder. Also called: SF3B4-related condition.

Allele frequency attached by ClinVar (database versions not stated): gnomAD 0.00001; ExAC 0.00002; gnomAD exomes 0.00004.
gnomAD v4.1: 54 of 1,543,120 alleles (0.0035%); highest among the groups gnomAD compares: Middle Eastern, 0.034%; no homozygotes.

Submission:

PreventionGenetics, part of Exact Sciences
Classification: Likely benign for SF3B4-related condition. Last evaluated: 2021-09-01. Review status: no assertion criteria provided. Collection method: clinical testing. Allele origin: germline.
Comment: This variant is classified as likely benign based on ACMG/AMP sequence variant interpretation guidelines (Richards et al. 2015 PMID: 25741868, with internal and published modifications).